The following is an entry in ClinVar:

ClinVar aggregate classification (germline): Likely pathogenic (1 of 4 stars; one submission).

Conditions:
PMM2-congenital disorder of glycosylation. Also called: Congenital disorder of glycosylation, type Ia; CDG Ia; JAEKEN SYNDROME; PHOSPHOMANNOMUTASE 2 DEFICIENCY; CARBOHYDRATE-DEFICIENT GLYCOPROTEIN SYNDROME, TYPE Ia; PMM2-CDG. Identifiers: Orphanet 79318, MedGen C0349653, MONDO:0008907, OMIM 212065.

Submission:

Natera, Inc.
Classification: Likely pathogenic for Congenital disorder of glycosylation type 1a. Last evaluated: 2025-05-01. Review status: criteria provided, single submitter. Criteria: Natera Variant Classification Schema (03/2026). Collection method: clinical testing. Allele origin: germline.
Comment: The c.237del variant in PMM2 is a frameshift variant predicted to shift the reading frame beginning at codon 80 and leads to a stop codon 16 codons downstream. This variant is expected to result in nonsense mediated decay, truncation, or a dysfunctional protein product. This variant is rare in the general population with a frequency below the threshold expected for the associated phenotype(s). Given the available evidence, this variant is classified as Likely Pathogenic.

NM_000303.3(PMM2):c.237del (p.Lys80fs)

Gene: PMM2 (phosphomannomutase 2; plus strand). Cytogenetic location: 16p13.2.
Variant type: Deletion.
Coding change: c.237del on transcript NM_000303.3 (MANE Select); coding-DNA position 237, one base deleted (G; older notation c.237delG).
Protein change: p.Lys80fs; shifts the reading frame from lysine 80.
Molecular consequence: frameshift variant.
Genome position (GRCh38, 1-based): chr16:8,804,825, G deleted; the last of 3 consecutive G bases (chr16:8,804,823-8,804,825); deleting any one gives the same sequence. VCF-style (leftmost placement, unchanged base first): chr16-8804822-TG-T. GRCh37 (hg19) VCF-style: chr16-8898679-TG-T.
Other names: short protein forms K80fs.
Identifiers: ClinVar variation 4060427 (VCV004060427.2).